The following is an entry in ClinVar:

ClinVar aggregate classification (germline): Uncertain significance. Review status: criteria provided, multiple submitters, no conflicts (2 of 4 stars). 2 submissions from 2 submitters: Uncertain significance (2). Last evaluated 2025-07-08.

Conditions:
Inborn genetic diseases. Identifiers: MedGen C0950123, MeSH D030342.

Submissions (2):

Labcorp Genetics (formerly Invitae), Labcorp
Classification: Uncertain significance. Last evaluated: 2025-07-08. Review status: criteria provided, single submitter. Criteria: Invitae Variant Classification Sherloc (09022015). Collection method: clinical testing. Allele origin: germline.
Comment: This sequence change replaces lysine, which is basic and polar, with arginine, which is basic and polar, at codon 2422 of the ATR protein (p.Lys2422Arg). This variant is not present in population databases (gnomAD no frequency). This variant has not been reported in the literature in individuals affected with ATR-related conditions. ClinVar contains an entry for this variant (Variation ID: 3330788). An algorithm developed to predict the effect of missense changes on protein structure and function (PolyPhen-2) suggests that this variant is likely to be tolerated. In summary, the available evidence is currently insufficient to determine the role of this variant in disease. Therefore, it has been classified as a Variant of Uncertain Significance.

Ambry Genetics
Classification: Uncertain significance for Inborn genetic diseases. Last evaluated: 2024-06-01. Review status: criteria provided, single submitter. Criteria: Ambry Variant Classification Scheme 2023. Collection method: clinical testing. Allele origin: germline.
Comment: The p.K2422R variant (also known as c.7265A>G), located in coding exon 43 of the ATR gene, results from an A to G substitution at nucleotide position 7265. The lysine at codon 2422 is replaced by arginine, an amino acid with highly similar properties. This amino acid position is conserved. In addition, this alteration is predicted to be tolerated by in silico analysis. Based on the available evidence, the clinical significance of this variant remains unclear.

NM_001184.4(ATR):c.7265A>G (p.Lys2422Arg)

Gene: ATR (ATR checkpoint kinase; minus strand). Cytogenetic location: 3q23.
Variant type: single nucleotide variant.
Coding change: c.7265A>G on transcript NM_001184.4 (MANE Select); coding-DNA position 7265, A replaced by G.
Protein change: p.Lys2422Arg; replaces lysine 2422 with arginine.
Molecular consequence: missense variant.
Genome position (GRCh38, 1-based): chr3:142,459,311, T>C on the plus strand (A>G on the coding strand, the complement: ATR is on the minus strand). VCF-style: chr3-142459311-T-C. GRCh37 (hg19) VCF-style: chr3-142178153-T-C.
Other names: c.7073A>G, p.Lys2358Arg (NM_001354579.2); short protein forms K2422R, K2358R.
Identifiers: ClinVar variation 3330788 (VCV003330788.2).